The following is an entry in ClinVar:

NM_001350451.2(RBFOX3):c.414G>C (p.Lys138Asn)

Gene: RBFOX3 (RNA binding fox-1 homolog 3; minus strand). Cytogenetic location: 17q25.3.
Variant type: single nucleotide variant.
Coding change: c.414G>C on transcript NM_001350451.2 (MANE Select); coding-DNA position 414, G replaced by C.
Protein change: p.Lys138Asn; replaces lysine 138 with asparagine.
Molecular consequence: missense variant. On other transcripts: intron variant (1).
Genome position (GRCh38, 1-based): chr17:79,104,073, C>G on the plus strand (G>C on the coding strand, the complement: RBFOX3 is on the minus strand). VCF-style: chr17-79104073-C-G. GRCh37 (hg19) VCF-style: chr17-77100155-C-G.
Other names: c.414G>C, p.Lys138Asn (NM_001385826.1, NM_001385827.1, NM_001385828.1 and 35 more transcripts); c.411G>C, p.Lys137Asn (NM_001385843.1, NM_001385844.1, NM_001385845.1 and 4 more transcripts); c.361-2429G>C (NM_001385847.1); short protein forms K138N, K137N.
Identifiers: ClinVar variation 568466 (VCV000568466.8), dbSNP rs1568134061, ClinGen allele CA401317170.
Genomic context (GRCh38, chr17:79,104,073, plus strand): 5'-CGTTAGCCTGGCGGGACCTACAGCCGGCGCTGTAAGGCGGCAGCTCCGTGCGGCACCCAC[C>G]TTGGAGCCCCGCTCGTTAAAAATGATCTCCACGTCTAAAATTTTTCCGAATTGCTGCAGA-3'
Protein context (NP_001337380.1, residues 128-148): VEIIFNERGS[Lys138Asn]GFGFVTFETS

ClinVar aggregate classification (germline): Uncertain significance (1 of 4 stars; one submission).

Conditions:
Idiopathic generalized epilepsy. Also called: Generalised epilepsy; EIG. Identifiers: MedGen C0270850, MONDO:0005579, OMIM 600669.

Submission:

Labcorp Genetics (formerly Invitae), Labcorp
Classification: Uncertain significance for Idiopathic generalized epilepsy. Last evaluated: 2018-02-01. Review status: criteria provided, single submitter. Criteria: Invitae Variant Classification Sherloc (09022015). Collection method: clinical testing. Allele origin: germline.
Comment: In summary, the available evidence is currently insufficient to determine the role of this variant in disease. Therefore, it has been classified as a Variant of Uncertain Significance. Nucleotide substitutions within the consensus splice site are a relatively common cause of aberrant splicing (PMID: 17576681, 9536098). Algorithms developed to predict the effect of sequence changes on RNA splicing suggest that this variant may disrupt the consensus splice site, but this prediction has not been confirmed by published transcriptional studies. Algorithms developed to predict the effect of missense changes on protein structure and function (SIFT, PolyPhen-2, Align-GVGD) all suggest that this variant is likely to be disruptive, but these predictions have not been confirmed by published functional studies and their clinical significance is uncertain. This variant has not been reported in the literature in individuals with RBFOX3-related disease. This variant is not present in population databases (ExAC no frequency). This sequence change replaces lysine with asparagine at codon 138 of the RBFOX3 protein (p.Lys138Asn). The lysine residue is highly conserved and there is a moderate physicochemical difference between lysine and asparagine. This variant also falls at the last nucleotide of exon 7 of the RBFOX3 coding sequence, which is part of the consensus splice site for this exon.

Literature cited by the submitters: PubMed 17576681; PubMed 9536098.